The following is an entry in ClinVar:

NM_000548.5(TSC2):c.5117G>T (p.Arg1706Leu)

Gene: TSC2 (TSC complex subunit 2; plus strand). Cytogenetic location: 16p13.3.
Variant type: single nucleotide variant.
Coding change: c.5117G>T on transcript NM_000548.5 (MANE Select); coding-DNA position 5117, G replaced by T.
Protein change: p.Arg1706Leu; replaces arginine 1706 with leucine.
Molecular consequence: missense variant.
Genome position (GRCh38, 1-based): chr16:2,088,096, G>T. VCF-style: chr16-2088096-G-T. GRCh37 (hg19) VCF-style: chr16-2138097-G-T.
Other names: c.4916G>T, p.Arg1639Leu (NM_001077183.3); c.5048G>T, p.Arg1683Leu (NM_001114382.3); c.4808G>T, p.Arg1603Leu (NM_001318827.2); c.4772G>T, p.Arg1591Leu (NM_001318829.2); c.4385G>T, p.Arg1462Leu (NM_001318831.2); c.4949G>T, p.Arg1650Leu (NM_001318832.2); c.4919G>T, p.Arg1640Leu (NM_001363528.2); c.4985G>T, p.Arg1662Leu (NM_001370404.1); and 1 more; short protein forms R1650L, R1663L, R1639L, R1640L, R1683L, R1462L, R1591L, R1603L.
Identifiers: ClinVar variation 845057 (VCV000845057.11), dbSNP rs45517392, ClinGen allele CA394312358.

ClinVar aggregate classification (germline): Conflicting classifications of pathogenicity. Review status: criteria provided, conflicting classifications (1 of 4 stars). 2 submissions from 2 submitters: Uncertain significance (1); Benign (1). Last evaluated 2025-11-17.

Conditions:
Tuberous sclerosis 2 (TSC2). Identifiers: Orphanet 805, MedGen C1860707, MONDO:0013199, OMIM 613254.
Hereditary cancer-predisposing syndrome. Also called: Neoplastic Syndromes, Hereditary; Hereditary neoplastic syndrome; Tumor predisposition; Hereditary Cancer Syndrome. Identifiers: Orphanet 140162, MedGen C0027672, MeSH D009386, MONDO:0015356.

gnomAD v4.1: 2 of 1,612,878 alleles (0.00012%); highest among the groups gnomAD compares: South Asian, 0.0022%; no homozygotes.

Submissions (2):

Labcorp Genetics (formerly Invitae), Labcorp
Classification: Benign for Tuberous sclerosis 2. Last evaluated: 2025-11-17. Review status: criteria provided, single submitter. Criteria: Invitae Variant Classification Sherloc (09022015). Collection method: clinical testing. Allele origin: germline.

Ambry Genetics
Classification: Uncertain significance for Hereditary cancer-predisposing syndrome. Last evaluated: 2024-04-11. Review status: criteria provided, single submitter. Criteria: Ambry Variant Classification Scheme 2023. Collection method: clinical testing. Allele origin: germline.
Comment: The p.R1706L variant (also known as c.5117G>T), located in coding exon 39 of the TSC2 gene, results from a G to T substitution at nucleotide position 5117. The arginine at codon 1706 is replaced by leucine, an amino acid with dissimilar properties. This amino acid position is not well conserved in available vertebrate species. In addition, this alteration is predicted to be deleterious by in silico analysis. Since supporting evidence is limited at this time, the clinical significance of this alteration remains unclear.